The following is an entry in ClinVar:

NM_001382430.1(AKT1):c.1251C>T (p.Tyr417=)

Gene: AKT1 (AKT serine/threonine kinase 1; minus strand). Cytogenetic location: 14q32.33.
Variant type: single nucleotide variant.
Coding change: c.1251C>T on transcript NM_001382430.1 (MANE Select); coding-DNA position 1251, C replaced by T.
Protein change: p.Tyr417=; no amino-acid change (tyrosine 417 retained).
Molecular consequence: synonymous variant.
Genome position (GRCh38, 1-based): chr14:104,772,374, G>A on the plus strand (C>T on the coding strand, the complement: AKT1 is on the minus strand). VCF-style: chr14-104772374-G-A. GRCh37 (hg19) VCF-style: chr14-105238711-G-A.
Other names: c.1251C>T, p.Tyr417= (NM_001014431.2, NM_001014432.2, NM_001382431.1 and 3 more transcripts); c.1251C>T (NM_001014431.1).
Identifiers: ClinVar variation 221141 (VCV000221141.39), dbSNP rs139297659, ClinGen allele CA349643.
Genomic context (GRCh38, chr14:104,772,374, plus strand): 5'-TGGATATGTGGGGAGCATGCGTGCGCGTGAATATGCGGGGAGCAGCCGCACCTTCTTCTC[G>A]TACACGTGCTGCCACACGATACCGGCAAAGAAGCGATGCTGCATGATCTCCTTGGCGTCC-3'
Protein context (NP_001369359.1, residues 407-427): FFAGIVWQHV[Tyr417=]EKKLSPPFKP

ClinVar aggregate classification (germline): Benign/Likely benign. Review status: criteria provided, multiple submitters, no conflicts (2 of 4 stars). 13 submissions from 13 submitters: Benign (3); Likely benign (5). 5 of the submissions do not count toward it. Last evaluated 2026-02-02.

Conditions:
AKT1-related disorder. Also called: AKT1-related condition.
Inborn genetic diseases. Identifiers: MedGen C0950123, MeSH D030342.
Cowden syndrome 6 (CWS6). Identifiers: Orphanet 201, MedGen C3554519, MONDO:0014048, OMIM 615109.

Allele frequency attached by ClinVar (database versions not stated): 1000 Genomes Project 30x 0.00828; 1000 Genomes Project 0.00899; TOPMed 0.00930; ESP Exome Variant Server 0.00953; gnomAD 0.01008 and 0.01031; gnomAD exomes 0.01204; ExAC 0.01313.
gnomAD v4.1: 19,632 of 1,613,818 alleles (1.2%); highest among the groups gnomAD compares: South Asian, 1.6%; 163 homozygotes.

Submissions (13):

Labcorp Genetics (formerly Invitae), Labcorp
Classification: Benign for Cowden syndrome 6. Last evaluated: 2026-02-02. Review status: criteria provided, single submitter. Criteria: Invitae Variant Classification Sherloc (09022015). Collection method: clinical testing. Allele origin: germline.

Blueprint Genetics
Classification: Likely benign. Last evaluated: 2024-11-26. Review status: criteria provided, single submitter. Criteria: ACMG Guidelines, 2015. Collection method: clinical testing. Allele origin: germline.

ARUP Laboratories, Molecular Genetics and Genomics, ARUP Laboratories
Classification: Benign. Last evaluated: 2023-11-09. Review status: criteria provided, single submitter. Criteria: ARUP Molecular Germline Variant Investigation Process 2024. Collection method: clinical testing. Allele origin: germline.

KCCC/NGS Laboratory, Kuwait Cancer Control Center
Classification: Benign for Cowden syndrome 6. Last evaluated: 2023-07-07. Review status: criteria provided, single submitter. Criteria: ACMG Guidelines, 2015. Collection method: clinical testing. Allele origin: germline. Affected: yes.

Ambry Genetics
Classification: Likely benign for Inborn genetic diseases. Last evaluated: 2022-02-12. Review status: criteria provided, single submitter. Criteria: Ambry Variant Classification Scheme 2023. Collection method: clinical testing. Allele origin: germline.

GeneDx
Classification: Likely benign. Last evaluated: 2021-05-25. Review status: criteria provided, single submitter. Criteria: GeneDx Variant Classification Process June 2021. Collection method: clinical testing. Allele origin: germline. Affected: yes.

Genetic Services Laboratory, University of Chicago
Classification: Likely benign. Last evaluated: 2016-05-23. Review status: criteria provided, single submitter. Criteria: ACMG Guidelines, 2015. Collection method: clinical testing. Allele origin: germline. Affected: no.

Breakthrough Genomics
Classification: Likely benign. Review status: criteria provided, single submitter. Criteria: ACMG Guidelines, 2015. Collection method: not provided. Allele origin: germline. Inheritance: Autosomal dominant inheritance. Affected: yes.

PreventionGenetics, part of Exact Sciences
Classification: Benign for AKT1-related condition. Last evaluated: 2019-09-26. Review status: no assertion criteria provided. Collection method: clinical testing. Allele origin: germline. Not counted in ClinVar's aggregate classification.
Comment: This variant is classified as benign based on ACMG/AMP sequence variant interpretation guidelines (Richards et al. 2015 PMID: 25741868, with internal and published modifications).

Clinical Genetics DNA and cytogenetics Diagnostics Lab, Erasmus MC, Erasmus Medical Center
Classification: Likely benign. Review status: no assertion criteria provided. Collection method: clinical testing. Allele origin: germline. Affected: yes. Study: VKGL Data-share Consensus. Not counted in ClinVar's aggregate classification.

Clinical Genetics, Academic Medical Center
Classification: Benign. Review status: no assertion criteria provided. Collection method: clinical testing. Allele origin: germline. Affected: yes. Study: VKGL Data-share Consensus. Not counted in ClinVar's aggregate classification.

Genome Diagnostics Laboratory, Amsterdam University Medical Center
Classification: Benign. Review status: no assertion criteria provided. Collection method: clinical testing. Allele origin: germline. Affected: yes. Study: VKGL Data-share Consensus. Not counted in ClinVar's aggregate classification.

Laboratory of Diagnostic Genome Analysis, Leiden University Medical Center (LUMC)
Classification: Benign. Review status: no assertion criteria provided. Collection method: clinical testing. Allele origin: germline. Affected: yes. Study: VKGL Data-share Consensus. Not counted in ClinVar's aggregate classification.